The following is an entry in ClinVar:

ClinVar aggregate classification (germline): Uncertain significance (1 of 4 stars; one submission).

gnomAD v4.1: 1 of 1,613,626 alleles (0.000062%); highest among the groups gnomAD compares: Non-Finnish European, 0.000085%; no homozygotes.

Submission:

GeneDx
Classification: Uncertain significance. Last evaluated: 2026-04-15. Review status: criteria provided, single submitter. Criteria: GeneDx Variant Classification Process June 2021. Collection method: clinical testing. Allele origin: germline.
Comment: Not observed at significant frequency in large population cohorts (gnomAD); Nonsense variant predicted to result in protein truncation or nonsense mediated decay in a gene or region of a gene for which loss of function is not a well-established mechanism of disease; Has not been previously published as pathogenic or benign to our knowledge

NM_006445.4(PRPF8):c.457C>T (p.Arg153Ter)

Gene: PRPF8 (pre-mRNA processing factor 8; minus strand). Cytogenetic location: 17p13.3.
Variant type: single nucleotide variant.
Coding change: c.457C>T on transcript NM_006445.4 (MANE Select); coding-DNA position 457, C replaced by T.
Protein change: p.Arg153Ter; replaces arginine 153 with a stop codon.
Molecular consequence: nonsense.
Genome position (GRCh38, 1-based): chr17:1,682,016, G>A on the plus strand (C>T on the coding strand, the complement: PRPF8 is on the minus strand). VCF-style: chr17-1682016-G-A. GRCh37 (hg19) VCF-style: chr17-1585310-G-A.
Other names: short protein forms R153*.
Identifiers: ClinVar variation 5037272 (VCV005037272.1).